The following is an entry in ClinVar:

NM_033409.4(SLC52A3):c.601G>A (p.Gly201Arg)

Gene: SLC52A3 (solute carrier family 52 member 3; minus strand). Cytogenetic location: 20p13.
Variant type: single nucleotide variant.
Coding change: c.601G>A on transcript NM_033409.4 (MANE Select); coding-DNA position 601, G replaced by A.
Protein change: p.Gly201Arg; replaces glycine 201 with arginine.
Molecular consequence: missense variant.
Genome position (GRCh38, 1-based): chr20:763,970, C>T on the plus strand (G>A on the coding strand, the complement: SLC52A3 is on the minus strand). VCF-style: chr20-763970-C-T. GRCh37 (hg19) VCF-style: chr20-744614-C-T.
Other names: c.601G>A, p.Gly201Arg (NM_001370085.1, NM_001370086.1); short protein forms G201R.
Identifiers: ClinVar variation 664046 (VCV000664046.11), dbSNP rs565998859, ClinGen allele CA9724716.

ClinVar aggregate classification (germline): Uncertain significance. Review status: criteria provided, multiple submitters, no conflicts (2 of 4 stars). 3 submissions from 3 submitters: Uncertain significance (3). Last evaluated 2026-03-11.

Conditions:
Brown-Vialetto-van Laere syndrome 1. Also called: BROWN-VIALETTO-VAN LAERE SYNDROME 1, MILD; BULBAR PALSY, PROGRESSIVE, WITH SENSORINEURAL DEAFNESS; PONTOBULBAR PALSY WITH DEAFNESS. Identifiers: Orphanet 572550, Orphanet 97229, MedGen C0796274, MONDO:0024537, OMIM 211530.
Inborn genetic diseases. Identifiers: MedGen C0950123, MeSH D030342.
SLC52A3-related disorder. Also called: SLC52A3-related condition.

Allele frequency attached by ClinVar (database versions not stated): gnomAD exomes 0.00004 and 0.00003; TOPMed 0.00006; ExAC 0.00007; 1000 Genomes Project 30x 0.00016; gnomAD 0.00006; 1000 Genomes Project 0.00020.
gnomAD v4.1: 46 of 1,598,836 alleles (0.0029%); highest among the groups gnomAD compares: Middle Eastern, 0.017%; no homozygotes.

Submissions (3):

PreventionGenetics, part of Exact Sciences
Classification: Uncertain significance for SLC52A3-related condition. Last evaluated: 2026-03-11. Review status: criteria provided, single submitter. Criteria: ACMG Guidelines, 2015. Collection method: clinical testing. Allele origin: germline.
Comment: The SLC52A3 c.601G>A variant is predicted to result in the amino acid substitution p.Gly201Arg. To our knowledge, this variant has not been reported in the literature. This variant is reported in 0.0099% of alleles in individuals of Latino descent in gnomAD. At this time, the clinical significance of this variant is uncertain due to the absence of conclusive functional and genetic evidence.

Labcorp Genetics (formerly Invitae), Labcorp
Classification: Uncertain significance for Brown-Vialetto-van Laere syndrome 1. Last evaluated: 2024-12-12. Review status: criteria provided, single submitter. Criteria: Invitae Variant Classification Sherloc (09022015). Collection method: clinical testing. Allele origin: germline.
Comment: This sequence change replaces glycine, which is neutral and non-polar, with arginine, which is basic and polar, at codon 201 of the SLC52A3 protein (p.Gly201Arg). This variant is present in population databases (rs565998859, gnomAD 0.02%). This variant has not been reported in the literature in individuals affected with SLC52A3-related conditions. ClinVar contains an entry for this variant (Variation ID: 664046). An algorithm developed to predict the effect of missense changes on protein structure and function outputs the following: PolyPhen-2: "Benign". The arginine amino acid residue is found in multiple mammalian species, which suggests that this missense change does not adversely affect protein function. In summary, the available evidence is currently insufficient to determine the role of this variant in disease. Therefore, it has been classified as a Variant of Uncertain Significance.

Ambry Genetics
Classification: Uncertain significance for Inborn genetic diseases. Last evaluated: 2024-10-12. Review status: criteria provided, single submitter. Criteria: Ambry Variant Classification Scheme 2023. Collection method: clinical testing. Allele origin: germline.